The following is an entry in ClinVar:

ClinVar aggregate classification (germline): Uncertain significance (1 of 4 stars; one submission).

Submission:

Labcorp Genetics (formerly Invitae), Labcorp
Classification: Uncertain significance. Last evaluated: 2026-01-12. Review status: criteria provided, single submitter. Criteria: Invitae Variant Classification Sherloc (09022015). Collection method: clinical testing. Allele origin: germline.
Comment: This sequence change creates a premature translational stop signal (p.Glu564*) in the TNFRSF11A gene. While this is not anticipated to result in nonsense mediated decay, it is expected to disrupt the last 53 amino acid(s) of the TNFRSF11A protein. This variant is not present in population databases (gnomAD no frequency). This variant has not been reported in the literature in individuals affected with TNFRSF11A-related conditions. ClinVar contains an entry for this variant (Variation ID: 2717799). Experimental studies and prediction algorithms are not available or were not evaluated, and the functional significance of this variant is currently unknown. In summary, the available evidence is currently insufficient to determine the role of this variant in disease. Therefore, it has been classified as a Variant of Uncertain Significance.

NM_003839.4(TNFRSF11A):c.1690G>T (p.Glu564Ter)

Gene: TNFRSF11A (TNF receptor superfamily member 11a; plus strand). Cytogenetic location: 18q21.33.
Variant type: single nucleotide variant.
Coding change: c.1690G>T on transcript NM_003839.4 (MANE Select); coding-DNA position 1690, G replaced by T.
Protein change: p.Glu564Ter; replaces glutamic acid 564 with a stop codon.
Molecular consequence: nonsense. On other transcripts: 3 prime UTR variant (1).
Genome position (GRCh38, 1-based): chr18:62,384,873, G>T. VCF-style: chr18-62384873-G-T. GRCh37 (hg19) VCF-style: chr18-60052106-G-T.
Other names: c.*114G>T (NM_001270949.2); c.853G>T, p.Glu285Ter (NM_001270950.2); c.739G>T, p.Glu247Ter (NM_001270951.2); c.1648G>T, p.Glu550Ter (NM_001278268.2); short protein forms E564*, E247*, E285*, E550*.
Identifiers: ClinVar variation 2717799 (VCV002717799.3), dbSNP rs2511620907, ClinGen allele CA402620254.